The following is an entry in ClinVar:

ClinVar aggregate classification (germline): Uncertain significance (1 of 4 stars; one submission).

Conditions:
Long QT syndrome (LQTS). Identifiers: MedGen C0023976, MeSH D008133, MONDO:0002442. Disease mechanism: loss of function. Inheritance: Various modes of inheritance.

Allele frequency attached by ClinVar (database versions not stated): gnomAD exomes below 0.00001; gnomAD 0.00002.
gnomAD v4.1: 11 of 1,611,160 alleles (0.00068%); highest among the groups gnomAD compares: Admixed American, 0.005%; no homozygotes.

Submission:

Labcorp Genetics (formerly Invitae), Labcorp
Classification: Uncertain significance for Long QT syndrome. Last evaluated: 2024-11-03. Review status: criteria provided, single submitter. Criteria: Invitae Variant Classification Sherloc (09022015). Collection method: clinical testing. Allele origin: germline.
Comment: This sequence change replaces leucine, which is neutral and non-polar, with valine, which is neutral and non-polar, at codon 1853 of the CACNA1C protein (p.Leu1853Val). This variant is present in population databases (no rsID available, gnomAD 0.002%). This variant has not been reported in the literature in individuals affected with CACNA1C-related conditions. ClinVar contains an entry for this variant (Variation ID: 662957). Invitae Evidence Modeling of protein sequence and biophysical properties (such as structural, functional, and spatial information, amino acid conservation, physicochemical variation, residue mobility, and thermodynamic stability) indicates that this missense variant is not expected to disrupt CACNA1C protein function with a negative predictive value of 95%. In summary, the available evidence is currently insufficient to determine the role of this variant in disease. Therefore, it has been classified as a Variant of Uncertain Significance.

NM_000719.7(CACNA1C):c.5557C>G (p.Leu1853Val)

Genes: CACNA1C (calcium voltage-gated channel subunit alpha1 C; plus strand), CACNA1C-AS1 (CACNA1C antisense RNA 1; minus strand). Cytogenetic location: 12p13.33.
Variant type: single nucleotide variant.
Coding change: c.5557C>G on transcript NM_000719.7 (MANE Select); coding-DNA position 5557, C replaced by G.
Protein change: p.Leu1853Val; replaces leucine 1853 with valine.
Molecular consequence: missense variant.
Genome position (GRCh38, 1-based): chr12:2,682,662, C>G. VCF-style: chr12-2682662-C-G. GRCh37 (hg19) VCF-style: chr12-2791828-C-G.
Other names: c.5617C>G, p.Leu1873Val (NM_001129832.2); c.5614C>G, p.Leu1872Val (NM_001129833.2, NM_001129834.2, NM_001129835.2); c.5581C>G, p.Leu1861Val (NM_001129837.2, NM_001129838.2); c.5608C>G, p.Leu1870Val (NM_001129836.2); c.5701C>G, p.Leu1901Val (NM_001129827.2); c.5680C>G, p.Leu1894Val (NM_001129829.2); c.5662C>G, p.Leu1888Val (NM_001129830.3, NM_001167624.3); c.5641C>G, p.Leu1881Val (NM_001129831.2); and 6 more; short protein forms L1859V, L1870V, L1873V, L1913V, L1842V, L1850V, L1853V, L1861V.
Identifiers: ClinVar variation 662957 (VCV000662957.8), dbSNP rs879206313, ClinGen allele CA231613442.
Genomic context (GRCh38, chr12:2,682,662, plus strand): 5'-CAGGATGAGACCTATGAAGTGAAGATGAACCATGACACGGAGGCCTGCAGTGAGCCCAGC[C>G]TGCTCTCCACAGAGATGTGAGCTCTGCTGCCCTCTGCTGAGGCTGACCCAAGTGTGGGAA-3'
Protein context (NP_000710.5, residues 1843-1863): HDTEACSEPS[Leu1853Val]LSTEMLSYQD